The following is an entry in ClinVar:

NM_024700.4(SNIP1):c.355C>T (p.Arg119Trp)

Genes: SNIP1 (Smad nuclear interacting protein 1; minus strand), LOC126805704 (BRD4-independent group 4 enhancer GRCh37_chr1:38005292-38006491; plus strand). Cytogenetic location: 1p34.3.
Variant type: single nucleotide variant.
Coding change: c.355C>T on transcript NM_024700.4 (MANE Select); coding-DNA position 355, C replaced by T.
Protein change: p.Arg119Trp; replaces arginine 119 with tryptophan.
Molecular consequence: missense variant.
Genome position (GRCh38, 1-based): chr1:37,540,728, G>A on the plus strand (C>T on the coding strand, the complement: SNIP1 is on the minus strand). VCF-style: chr1-37540728-G-A. GRCh37 (hg19) VCF-style: chr1-38006329-G-A.
Other names: c.355C>T (NM_024700.2); short protein forms R119W.
Identifiers: ClinVar variation 1380432 (VCV001380432.8), dbSNP rs777752199, ClinGen allele CA771349.
Genomic context (GRCh38, chr1:37,540,728, plus strand): 5'-CACTGTTCCTAGCTCTCCTGTGTTCCTGTTCTGATGGTTCCCTGTGCTGCCGATCCTCCC[G>A]TCCTCTCCGGGGATGATCCTCACGCTCCTAAAATTCAAACAGATTCTGTAATTTAAACGC-3'
Protein context (NP_078976.2, residues 109-129): QEREDHPRRG[Arg119Trp]EDRQHREPSE

ClinVar aggregate classification (germline): Uncertain significance. Review status: criteria provided, multiple submitters, no conflicts (2 of 4 stars). 3 submissions from 3 submitters: Uncertain significance (3). Last evaluated 2024-12-09.

Allele frequency attached by ClinVar (database versions not stated): ExAC 0.00002; gnomAD exomes 0.00002; TOPMed 0.00002.
gnomAD v4.1: 19 of 1,609,958 alleles (0.0012%); highest among the groups gnomAD compares: Admixed American, 0.005%; no homozygotes.

Submissions (3):

Ambry Genetics
Classification: Uncertain significance. Last evaluated: 2024-12-09. Review status: criteria provided, single submitter. Criteria: Ambry Variant Classification Scheme 2023. Collection method: clinical testing. Allele origin: germline.

Labcorp Genetics (formerly Invitae), Labcorp
Classification: Uncertain significance. Last evaluated: 2022-09-01. Review status: criteria provided, single submitter. Criteria: Invitae Variant Classification Sherloc (09022015). Collection method: clinical testing. Allele origin: germline.
Comment: ClinVar contains an entry for this variant (Variation ID: 1380432). This variant has not been reported in the literature in individuals affected with SNIP1-related conditions. This variant is present in population databases (rs777752199, gnomAD 0.009%). This sequence change replaces arginine, which is basic and polar, with tryptophan, which is neutral and slightly polar, at codon 119 of the SNIP1 protein (p.Arg119Trp). Algorithms developed to predict the effect of missense changes on protein structure and function are either unavailable or do not agree on the potential impact of this missense change (SIFT: "Deleterious"; PolyPhen-2: "Possibly Damaging"; Align-GVGD: "Class C0"). In summary, the available evidence is currently insufficient to determine the role of this variant in disease. Therefore, it has been classified as a Variant of Uncertain Significance.

Breakthrough Genomics
Classification: Uncertain significance. Review status: criteria provided, single submitter. Criteria: ACMG Guidelines, 2015. Collection method: not provided. Allele origin: germline. Inheritance: Autosomal recessive inheritance. Affected: yes.